The following is an entry in ClinVar:

ClinVar aggregate classification (germline): Likely benign (1 of 4 stars; one submission).

Allele frequency attached by ClinVar (database versions not stated): ESP Exome Variant Server 0.00009; gnomAD 0.00027; TOPMed 0.00032; ExAC 0.00063; 1000 Genomes Project 30x 0.00104; 1000 Genomes Project 0.00106.
gnomAD v4.1: 202 of 1,210,666 alleles (0.017%); highest among the groups gnomAD compares: East Asian, 0.54%; no homozygotes.

Submission:

CeGaT Center for Human Genetics Tuebingen
Classification: Likely benign. Last evaluated: 2023-03-01. Review status: criteria provided, single submitter. Criteria: CeGaT Center For Human Genetics Tuebingen Variant Classification Criteria Version 2. Collection method: clinical testing. Allele origin: germline. Affected: yes. Observed: 1 variant allele.
Comment: CXCR3: BP4, BS2

NM_001504.2(CXCR3):c.875G>A (p.Arg292Gln)

Gene: CXCR3 (C-X-C motif chemokine receptor 3; minus strand). Cytogenetic location: Xq13.1.
Variant type: single nucleotide variant.
Coding change: c.875G>A on transcript NM_001504.2 (MANE Select); coding-DNA position 875, G replaced by A.
Protein change: p.Arg292Gln; replaces arginine 292 with glutamine.
Molecular consequence: missense variant.
Genome position (GRCh38, 1-based): chrX:71,616,597, C>T on the plus strand (G>A on the coding strand, the complement: CXCR3 is on the minus strand). VCF-style: chrX-71616597-C-T. GRCh37 (hg19) VCF-style: chrX-70836447-C-T.
Other names: c.1016G>A, p.Arg339Gln (NM_001142797.2); short protein forms R292Q, R339Q.
Identifiers: ClinVar variation 2660889 (VCV002660889.24), dbSNP rs139226823, ClinGen allele CA10448400.
Genomic context (GRCh38, chrX:71,616,597, plus strand): 5'-CAGCAGTGCATGTAGCCCAGGCCTGAGGTGACCGACTTGGCCACGTCTACCCTGCTTTCT[C>T]GGCCACAGTTGCGGGCCAAAGCGCCCAGGTCCATGAGGATGTCCACCAGCACCACCAGGT-3'
Protein context (NP_001495.1, residues 282-302): DLGALARNCG[Arg292Gln]ESRVDVAKSV